The following is an entry in ClinVar:

NM_001100913.3(PACS2):c.285C>T (p.Thr95=)

Gene: PACS2 (phosphofurin acidic cluster sorting protein 2; plus strand). Cytogenetic location: 14q32.33.
Variant type: single nucleotide variant.
Coding change: c.285C>T on transcript NM_001100913.3 (MANE Select); coding-DNA position 285, C replaced by T.
Protein change: p.Thr95=; no amino-acid change (threonine 95 retained).
Molecular consequence: synonymous variant.
Genome position (GRCh38, 1-based): chr14:105,352,455, C>T. VCF-style: chr14-105352455-C-T. GRCh37 (hg19) VCF-style: chr14-105818792-C-T.
Other names: c.84C>T, p.Thr28= (NM_001243127.3); c.285C>T, p.Thr95= (NM_015197.4).
Identifiers: ClinVar variation 2644917 (VCV002644917.24), dbSNP rs1555404207, ClinGen allele CA488207031.

ClinVar aggregate classification (germline): Likely benign (1 of 4 stars; one submission).

Allele frequency attached by ClinVar (database versions not stated): gnomAD exomes below 0.00001.
gnomAD v4.1: 1 of 1,604,644 alleles (0.000062%); highest among the groups gnomAD compares: South Asian, 0.0011%; no homozygotes.

Submission:

CeGaT Center for Human Genetics Tuebingen
Classification: Likely benign. Last evaluated: 2023-03-01. Review status: criteria provided, single submitter. Criteria: CeGaT Center For Human Genetics Tuebingen Variant Classification Criteria Version 2. Collection method: clinical testing. Allele origin: germline. Affected: yes. Observed: 1 variant allele.
Comment: PACS2: BP4, BP7